The following is an entry in ClinVar:

ClinVar aggregate classification (germline): Pathogenic (1 of 4 stars; one submission).

Conditions:
Beckwith-Wiedemann syndrome (BWS). Also called: Exomphalos macroglossia gigantism syndrome; EMG SYNDROME. Identifiers: Orphanet 116, MedGen C0004903, MONDO:0007534, OMIM 130650.

Submission:

Labcorp Genetics (formerly Invitae), Labcorp
Classification: Pathogenic for Beckwith-Wiedemann syndrome. Last evaluated: 2025-05-26. Review status: criteria provided, single submitter. Criteria: Invitae Variant Classification Sherloc (09022015). Collection method: clinical testing. Allele origin: germline.
Comment: This sequence change creates a premature translational stop signal (p.Ser223Argfs*17) in the CDKN1C gene. It is expected to result in an absent or disrupted protein product. Loss-of-function variants in CDKN1C are known to be pathogenic (PMID: 20503313). This variant is not present in population databases (gnomAD no frequency). This variant has not been reported in the literature in individuals affected with CDKN1C-related conditions. ClinVar contains an entry for this variant (Variation ID: 3659190). For these reasons, this variant has been classified as Pathogenic.

Literature cited by the submitters: PubMed 20503313.

NM_001122630.2(CDKN1C):c.634_635del (p.Ser212fs)

Gene: CDKN1C (cyclin dependent kinase inhibitor 1C; minus strand). Cytogenetic location: 11p15.4.
Variant type: Microsatellite.
Coding change: c.634_635del on transcript NM_001122630.2 (MANE Select); coding-DNA positions 634 to 635, 2 bases deleted (AG; older notation c.634_635delAG).
Protein change: p.Ser212fs; shifts the reading frame from serine 212.
Molecular consequence: frameshift variant. On other transcripts: intron variant (1).
Genome position (GRCh38, 1-based): chr11:2,884,822-2,884,823, CT deleted on the plus strand (AG on the coding strand, the reverse complement: CDKN1C is on the minus strand); deleting any 2 consecutive bases within chr11:2,884,822-2,884,827 gives the same sequence; the c. name uses the placement nearest the transcript's 3' end. VCF-style (leftmost placement, unchanged base first): chr11-2884821-GCT-G. GRCh37 (hg19) VCF-style: chr11-2906051-GCT-G.
Other names: c.667_668del, p.Ser223fs (NM_000076.2, NM_001362474.2); c.634_635del, p.Ser212fs (NM_001122631.2); c.255+375AG[2] (NM_001362475.2); short protein forms S212fs, S223fs.
Identifiers: ClinVar variation 3659190 (VCV003659190.2).
Genomic context (GRCh38, chr11:2,884,821, plus strand): 5'-GTGCAGCTGGTCAGCGAGAGGCTCCTGGCCGCGCTGCCCCTGGTTCGCGCCCTGCTCGGC[GCT>G]CTCTTGAGGCGCCGCGTCCGGGGCCGGGGCCGGGGCGGGGGCCGGGGCCGGGGCCGGGGC-3'